The following is an entry in ClinVar:

ClinVar aggregate classification (germline): Conflicting classifications of pathogenicity. Review status: criteria provided, conflicting classifications (1 of 4 stars). 7 submissions from 7 submitters: Uncertain significance (2); Likely benign (4). 1 of the submissions does not count toward it. Last evaluated 2026-01-26.

Conditions:
Mucopolysaccharidosis, MPS-III-C (MPS3C). Also called: MUCOPOLYSACCHARIDOSIS, TYPE IIIC; Mucopolysaccharidosis type IIIC (Sanfilippo C); MPS IIIC (Sanfilippo Syndrome Type C); SANFILIPPO SYNDROME C; mucopolysaccharidosis type 3C; MPS III C. Identifiers: Orphanet 581, Orphanet 79271, MedGen C0086649, MONDO:0009657, OMIM 252930.
Retinitis pigmentosa 73 (RP73). Identifiers: Orphanet 791, MedGen C4225287, MONDO:0014687, OMIM 616544.
Retinal dystrophy. Also called: Inherited retinal dystrophy. Identifiers: Orphanet 71862, MedGen C0854723, MeSH D058499, MONDO:0019118, HP:0000556.
HGSNAT-related disorder. Also called: HGSNAT-related condition.

Allele frequency attached by ClinVar (database versions not stated): gnomAD 0.00016 and 0.00024; TOPMed 0.00034; 1000 Genomes Project 30x 0.00125; ESP Exome Variant Server 0.00008; ExAC 0.00050; 1000 Genomes Project 0.00140.
gnomAD v4.1: 222 of 1,603,414 alleles (0.014%); highest among the groups gnomAD compares: East Asian, 0.4%; 1 homozygote.

Submissions (7):

Labcorp Genetics (formerly Invitae), Labcorp
Classification: Likely benign for Retinitis pigmentosa 73; Mucopolysaccharidosis, MPS-III-C. Last evaluated: 2026-01-26. Review status: criteria provided, single submitter. Criteria: Invitae Variant Classification Sherloc (09022015). Collection method: clinical testing. Allele origin: germline.

PreventionGenetics, part of Exact Sciences
Classification: Likely benign for HGSNAT-related condition. Last evaluated: 2024-11-04. Review status: criteria provided, single submitter. Criteria: ACMG Guidelines, 2015. Collection method: clinical testing. Allele origin: germline.
Comment: This variant is classified as likely benign based on ACMG/AMP sequence variant interpretation guidelines (Richards et al. 2015 PMID: 25741868, with internal and published modifications).

Blueprint Genetics
Classification: Likely benign. Last evaluated: 2024-09-10. Review status: criteria provided, single submitter. Criteria: ACMG Guidelines, 2015. Collection method: clinical testing. Allele origin: germline.

Dept Of Ophthalmology, Nagoya University
Classification: Likely benign for Retinal dystrophy. Last evaluated: 2023-10-01. Review status: criteria provided, single submitter. Criteria: Submitter's publication. Collection method: research. Allele origin: germline. Affected: yes.

New York Genome Center
Classification: Uncertain significance for Retinitis pigmentosa 73. Last evaluated: 2022-01-07. Review status: criteria provided, single submitter. Criteria: NYGC Assertion Criteria 2020. Collection method: clinical testing. Allele origin: germline. Observed: 1 heterozygote. Study: CSER-NYCKidSeq.

Illumina Laboratory Services, Illumina
Classification: Uncertain significance for Mucopolysaccharidosis, MPS-III-C. Last evaluated: 2018-01-13. Review status: criteria provided, single submitter. Criteria: ICSL Variant Classification Criteria 13 December 2019. Collection method: clinical testing. Allele origin: germline.

Natera, Inc.
Classification: Uncertain significance for Mucopolysaccharidosis type IIIC. Last evaluated: 2019-10-28. Review status: no assertion criteria provided. Collection method: clinical testing. Allele origin: germline. Not counted in ClinVar's aggregate classification.

NM_152419.3(HGSNAT):c.205G>A (p.Val69Ile)

Gene: HGSNAT (heparan-alpha-glucosaminide N-acetyltransferase; plus strand). Cytogenetic location: 8p11.21.
Variant type: single nucleotide variant.
Coding change: c.205G>A on transcript NM_152419.3 (MANE Select); coding-DNA position 205, G replaced by A.
Protein change: p.Val69Ile; replaces valine 69 with isoleucine.
Molecular consequence: missense variant. On other transcripts: 5 prime UTR variant (1).
Genome position (GRCh38, 1-based): chr8:43,147,034, G>A. VCF-style: chr8-43147034-G-A. GRCh37 (hg19) VCF-style: chr8-43002177-G-A.
Other names: c.205G>A, p.Val69Ile (NM_001363227.2, NM_001363228.2); c.-629G>A (NM_001363229.2); short protein forms V69I.
Identifiers: ClinVar variation 363139 (VCV000363139.20), dbSNP rs202001245, ClinGen allele CA4736446.